The following is an entry in ClinVar:

NM_017882.3(CLN6):c.*1015T>C

Gene: CLN6 (CLN6 transmembrane ER protein; minus strand). Cytogenetic location: 15q23.
Variant type: single nucleotide variant.
Coding change: c.*1015T>C on transcript NM_017882.3 (MANE Select); 1015 bases downstream of the stop codon, T replaced by C.
Molecular consequence: 3 prime UTR variant.
Genome position (GRCh38, 1-based): chr15:68,207,125, A>G on the plus strand (T>C on the coding strand, the complement: CLN6 is on the minus strand). VCF-style: chr15-68207125-A-G. GRCh37 (hg19) VCF-style: chr15-68499463-A-G.
Identifiers: ClinVar variation 316967 (VCV000316967.5), dbSNP rs6494720, ClinGen allele CA10636467.

ClinVar aggregate classification (germline): Benign (1 of 4 stars; one submission).

Conditions:
Neuronal ceroid lipofuscinosis. Also called: Neuronal Ceroid Lipofuscinoses. Identifiers: Orphanet 216, Orphanet 79263, MedGen C0027877, MONDO:0016295. Disease mechanism: loss of function.

Allele frequency attached by ClinVar (database versions not stated): gnomAD 0.06876 and 0.07280; 1000 Genomes Project 0.07668; TOPMed 0.07786; 1000 Genomes Project 30x 0.08120.

Submission:

Illumina Laboratory Services, Illumina
Classification: Benign for Neuronal ceroid lipofuscinosis. Last evaluated: 2018-01-12. Review status: criteria provided, single submitter. Criteria: ICSL Variant Classification Criteria 13 December 2019. Collection method: clinical testing. Allele origin: germline.
Comment: This variant was observed in the ICSL laboratory as part of a predisposition screen in an ostensibly healthy population. It had not been previously curated by ICSL or reported in the Human Gene Mutation Database (HGMD: prior to June 1st, 2018), and was therefore a candidate for classification through an automated scoring system. Utilizing variant allele frequency, disease prevalence and penetrance estimates, and inheritance mode, an automated score was calculated to assess if this variant is too frequent to cause the disease. Based on the score and internal cut-off values, a variant classified as benign is not then subjected to further curation. The score for this variant resulted in a classification of benign for this disease.